The following is an entry in ClinVar:

NM_198253.3(TERT):c.1829G>A (p.Arg610Gln)

Gene: TERT (telomerase reverse transcriptase; minus strand). Cytogenetic location: 5p15.33.
Variant type: single nucleotide variant.
Coding change: c.1829G>A on transcript NM_198253.3 (MANE Select); coding-DNA position 1829, G replaced by A.
Protein change: p.Arg610Gln; replaces arginine 610 with glutamine.
Molecular consequence: missense variant. On other transcripts: non-coding transcript variant (2).
Genome position (GRCh38, 1-based): chr5:1,280,279, C>T on the plus strand (G>A on the coding strand, the complement: TERT is on the minus strand). VCF-style: chr5-1280279-C-T. GRCh37 (hg19) VCF-style: chr5-1280394-C-T.
Other names: c.1829G>A, p.Arg610Gln (NM_001193376.3); short protein forms R610Q.
Identifiers: ClinVar variation 471832 (VCV000471832.34), dbSNP rs776763536, ClinGen allele CA3184746.

ClinVar aggregate classification (germline): Conflicting classifications of pathogenicity. Review status: criteria provided, conflicting classifications (1 of 4 stars). 3 submissions from 3 submitters: Uncertain significance (1); Likely benign (2). Last evaluated 2025-09-22.

Conditions:
Dyskeratosis congenita. Identifiers: Orphanet 1775, MedGen C0265965, MONDO:0015780.
Idiopathic Pulmonary Fibrosis. Also called: Idiopathic fibrosing alveolitis, chronic form; idiopathic fibrosing alveolitis. Identifiers: Orphanet 2032, MedGen C1800706, MeSH D054990, MONDO:0800504.
Dyskeratosis congenita, autosomal dominant 2. Identifiers: MedGen C3151443, MONDO:0013521, OMIM 613989.

Allele frequency attached by ClinVar (database versions not stated): gnomAD exomes 0.00001 and 0.00004; TOPMed 0.00002; ExAC 0.00003.
gnomAD v4.1: 17 of 1,613,720 alleles (0.0011%); highest among the groups gnomAD compares: East Asian, 0.016%; no homozygotes.

Submissions (3):

Labcorp Genetics (formerly Invitae), Labcorp
Classification: Likely benign for Dyskeratosis congenita, autosomal dominant 2; Idiopathic Pulmonary Fibrosis. Last evaluated: 2025-09-22. Review status: criteria provided, single submitter. Criteria: Invitae Variant Classification Sherloc (09022015). Collection method: clinical testing. Allele origin: germline.

CeGaT Center for Human Genetics Tuebingen
Classification: Uncertain significance. Last evaluated: 2022-09-01. Review status: criteria provided, single submitter. Criteria: CeGaT Center For Human Genetics Tuebingen Variant Classification Criteria Version 2. Collection method: clinical testing. Allele origin: germline. Affected: yes. Observed: 1 variant allele.
Comment: TERT: PP2, BP4

Ambry Genetics
Classification: Likely benign for Dyskeratosis congenita. Last evaluated: 2022-01-29. Review status: criteria provided, single submitter. Criteria: Ambry Variant Classification Scheme 2023. Collection method: clinical testing. Allele origin: germline.